The following is an entry in ClinVar:

NM_000540.3(RYR1):c.3520T>C (p.Ser1174Pro)

Gene: RYR1 (ryanodine receptor 1; plus strand). Cytogenetic location: 19q13.2.
Variant type: single nucleotide variant.
Coding change: c.3520T>C on transcript NM_000540.3 (MANE Select); coding-DNA position 3520, T replaced by C.
Protein change: p.Ser1174Pro; replaces serine 1174 with proline.
Molecular consequence: missense variant.
Genome position (GRCh38, 1-based): chr19:38,469,104, T>C. VCF-style: chr19-38469104-T-C. GRCh37 (hg19) VCF-style: chr19-38959744-T-C.
Other names: c.3520T>C, p.Ser1174Pro (NM_001042723.2); short protein forms S1174P.
Identifiers: ClinVar variation 3074751 (VCV003074751.1), dbSNP rs2514114131, ClinGen allele CA405638788.
Genomic context (GRCh38, chr19:38,469,104, plus strand): 5'-CTCACAGAGAACACCATTATCTTCACCCTCAATGGCGAGGTCCTCATGTCTGACTCAGGC[T>C]CCGAAACAGCCTTCCGGGAGATTGAGATTGGGGACGGTGAGGGCTGAGACCCCTTCACAT-3'
Protein context (NP_000531.2, residues 1164-1184): NGEVLMSDSG[Ser1174Pro]ETAFREIEIG

ClinVar aggregate classification (germline): Uncertain significance (1 of 4 stars; one submission).

Conditions:
Malignant hyperthermia, susceptibility to, 1 (MHS1). Also called: Anesthesia related hyperthermia; Malignant hyperpyrexia; Fulminating hyperpyrexia; Pharmacogenic myopathy; RYR1-Related Malignant Hyperthermia Susceptibility; Malignant hyperthermia suceptibility 1. Identifiers: Orphanet 423, MedGen C2930980, MONDO:0007783, OMIM 145600.

Submission:

All of Us Research Program, National Institutes of Health
Classification: Uncertain significance for Malignant hyperthermia, susceptibility to, 1. Last evaluated: 2023-12-13. Review status: criteria provided, single submitter. Criteria: ACMG Guidelines, 2015. Collection method: clinical testing. Allele origin: germline. Inheritance: Autosomal dominant inheritance. Observed: 1 variant allele, 1 heterozygote.
Comment: This missense variant replaces serine with proline at codon 1174 of the RYR1 protein. Computational prediction suggests that this variant may have deleterious impact on protein structure and function (internally defined REVEL score threshold >= 0.7, PMID: 27666373). To our knowledge, functional studies have not been reported for this variant. This variant has not been reported in individuals affected with RYR1-related disorders in the literature. This variant has not been identified in the general population by the Genome Aggregation Database (gnomAD). The available evidence is insufficient to determine the role of this variant in disease conclusively. Therefore, this variant is classified as a Variant of Uncertain Significance.

This study involves interpretation of variants in research participants for the purpose of population health screening. Participant phenotype was not available at the time of variant classification. Additional details can be found in publication PMID: 35346344, PMCID: PMC8962531